The following is an entry in ClinVar:

ClinVar aggregate classification (germline): Pathogenic (1 of 4 stars; one submission).

Submission:

Labcorp Genetics (formerly Invitae), Labcorp
Classification: Pathogenic. Last evaluated: 2022-05-04. Review status: criteria provided, single submitter. Criteria: Invitae Variant Classification Sherloc (09022015). Collection method: clinical testing. Allele origin: germline.
Comment: This sequence change creates a premature translational stop signal (p.Cys791Leufs*3) in the SLC12A2 gene. It is expected to result in an absent or disrupted protein product. Loss-of-function variants in SLC12A2 are known to be pathogenic (PMID: 28940097, 30740830, 32754646). For these reasons, this variant has been classified as Pathogenic. This variant has not been reported in the literature in individuals affected with SLC12A2-related conditions. This variant is not present in population databases (gnomAD no frequency).

Literature cited by the submitters: PubMed 28940097; PubMed 30740830; PubMed 32754646.

NM_001046.3(SLC12A2):c.2371_2372insTAAATTAGGCCACT (p.Cys791delinsLeuAsnTer)

Gene: SLC12A2 (solute carrier family 12 member 2; plus strand). Cytogenetic location: 5q23.3.
Variant type: Insertion.
Coding change: c.2371_2372insTAAATTAGGCCACT on transcript NM_001046.3 (MANE Select); coding-DNA positions 2371 to 2372, TAAATTAGGCCACT inserted.
Protein change: p.Cys791delinsLeuAsnTer.
Molecular consequence: nonsense. On other transcripts: non-coding transcript variant (1).
Genome position: GRCh38 VCF-style: chr5-128158059-G-GTTAAATTAGGCCAC. GRCh37 (hg19) VCF-style: chr5-127493751-G-GTTAAATTAGGCCAC.
Other names: c.2371_2372insTAAATTAGGCCACT, p.Cys791delinsLeuAsnTer (NM_001256461.2).
Identifiers: ClinVar variation 2133915 (VCV002133915.4), dbSNP rs2479429305, ClinGen allele CA2580072554.
Genomic context (GRCh38, chr5:128,158,059, plus strand): 5'-GTTGCCAGAAACACAAATTTATCTAATTTTGTTTGTCTTTTCATCTTAAATTAGGCCACA[G>GTTAAATTAGGCCAC]TGTCTTGTTATGACAGGTGCTCCAAACTCACGTCCAGCTTTACTTCATCTTGTTCATGAT-3'